The following is an entry in ClinVar:

NM_005633.4(SOS1):c.457C>T (p.Arg153Trp)

Gene: SOS1 (SOS Ras/Rac guanine nucleotide exchange factor 1; minus strand). Cytogenetic location: 2p22.1.
Variant type: single nucleotide variant.
Coding change: c.457C>T on transcript NM_005633.4 (MANE Select); coding-DNA position 457, C replaced by T.
Protein change: p.Arg153Trp; replaces arginine 153 with tryptophan.
Molecular consequence: missense variant.
Genome position (GRCh38, 1-based): chr2:39,056,755, G>A on the plus strand (C>T on the coding strand, the complement: SOS1 is on the minus strand). VCF-style: chr2-39056755-G-A. GRCh37 (hg19) VCF-style: chr2-39283896-G-A.
Other names: c.436C>T, p.Arg146Trp (NM_001382394.1); c.457C>T, p.Arg153Trp (NM_001382395.1); short protein forms R146W, R153W.
Identifiers: ClinVar variation 3714106 (VCV003714106.2).

ClinVar aggregate classification (germline): Uncertain significance (1 of 4 stars; one submission).

Conditions:
RASopathy. Also called: Noonan spectrum disorder; rasopathies. Identifiers: Orphanet 536391, MedGen C5555857, MONDO:0021060.

gnomAD v4.1: 2 of 1,600,198 alleles (0.00012%); highest among the groups gnomAD compares: Non-Finnish European, 0.000086%; no homozygotes.

Submission:

Labcorp Genetics (formerly Invitae), Labcorp
Classification: Uncertain significance for RASopathy. Last evaluated: 2024-11-28. Review status: criteria provided, single submitter. Criteria: Invitae Variant Classification Sherloc (09022015). Collection method: clinical testing. Allele origin: germline.
Comment: This sequence change replaces arginine, which is basic and polar, with tryptophan, which is neutral and slightly polar, at codon 153 of the SOS1 protein (p.Arg153Trp). This variant is present in population databases (no rsID available, gnomAD 0.0009%). This variant has not been reported in the literature in individuals affected with SOS1-related conditions. Invitae Evidence Modeling of protein sequence and biophysical properties (such as structural, functional, and spatial information, amino acid conservation, physicochemical variation, residue mobility, and thermodynamic stability) indicates that this missense variant is expected to disrupt SOS1 protein function with a positive predictive value of 95%. In summary, the available evidence is currently insufficient to determine the role of this variant in disease. Therefore, it has been classified as a Variant of Uncertain Significance.